The following is an entry in ClinVar:

NM_006086.4(TUBB3):c.784C>T (p.Arg262Cys)

Gene: TUBB3 (tubulin beta 3 class III; plus strand). Cytogenetic location: 16q24.3.
Variant type: single nucleotide variant.
Coding change: c.784C>T on transcript NM_006086.4 (MANE Select); coding-DNA position 784, C replaced by T.
Protein change: p.Arg262Cys; replaces arginine 262 with cysteine.
Molecular consequence: missense variant.
Genome position (GRCh38, 1-based): chr16:89,935,235, C>T. VCF-style: chr16-89935235-C-T. GRCh37 (hg19) VCF-style: chr16-90001643-C-T.
Other names: c.568C>T, p.Arg190Cys (NM_001197181.2); short protein forms R262C, R190C.
Identifiers: ClinVar variation 6963 (VCV000006963.18), dbSNP rs267607162, ClinGen allele CA340618.

ClinVar aggregate classification (germline): Pathogenic. Review status: criteria provided, multiple submitters, no conflicts (2 of 4 stars). 7 submissions from 7 submitters: Pathogenic (5). 2 of the submissions do not count toward it. Last evaluated 2026-03-24.

Conditions:
Congenital fibrosis of extraocular muscles. Also called: Congenital Fibrosis of the Extraocular Muscles. Identifiers: Orphanet 45358, MedGen C1302995, MONDO:0007614, HP:0001491.
Fibrosis of extraocular muscles, congenital, 3A, with or without extraocular involvement. Also called: CONGENITAL FIBROSIS OF EXTRAOCULAR MUSCLES 3A; FEOM3 LOCUS. Identifiers: MedGen C2748801, MONDO:0010912, OMIM 600638.

Allele frequency attached by ClinVar (database versions not stated): gnomAD exomes below 0.00001.

Submissions (7):

Genetics Laboratory, Great Ormond Street Hospital NHS Foundation Trust, North Thames Genomic Laboratory Hub
Classification: Pathogenic for Congenital fibrosis of the extraocular muscles. Last evaluated: 2026-03-24. Review status: criteria provided, single submitter. Criteria: ACGS Best Practice Guidelines for Variant Classification in Rare Disease 2024 v1.2. Collection method: clinical testing. Allele origin: germline. Affected: yes.
Comment: PS4_moderate, PM2_supporting, PP3_supporting, PS3_supporting, PP1_strong, PS2_strong

Institute for Clinical Genetics, University Hospital TU Dresden, University Hospital TU Dresden
Classification: Pathogenic. Last evaluated: 2023-06-20. Review status: criteria provided, single submitter. Criteria: ACMG Guidelines, 2015. Collection method: clinical testing. Allele origin: maternal.
Comment: PS3, PP4, PP3, PM5, PS4, PM2_SUP

GeneDx
Classification: Pathogenic. Last evaluated: 2023-03-28. Review status: criteria provided, single submitter. Criteria: GeneDx Variant Classification Process June 2021. Collection method: clinical testing. Allele origin: germline. Affected: yes.
Comment: Reported in unrelated patients with TUBB3-related CFEOM referred for genetic testing at GeneDx and in the published literature (Tischfield et al., 2010); Published functional studies demonstrate impaired microtubule function (Tischfield et al., 2010); In silico analysis supports that this missense variant has a deleterious effect on protein structure/function; Missense variants in this gene are often considered pathogenic (HGMD); Not observed at significant frequency in large population cohorts (gnomAD); This variant is associated with the following publications: (PMID: 28832562, 27428177, 29382549, 31226147, 20074521, 29453417, 24077912)

Victorian Clinical Genetics Services, Murdoch Childrens Research Institute
Classification: Pathogenic for Fibrosis of extraocular muscles, congenital, 3A, with or without extraocular involvement. Last evaluated: 2022-02-02. Review status: criteria provided, single submitter. Criteria: ACMG Guidelines, 2015. Collection method: clinical testing. Allele origin: germline. Inheritance: Autosomal dominant inheritance. Affected: yes.
Comment: Based on the classification scheme VCGS_Germline_v1.3.4, this variant is classified as Pathogenic. Following criteria are met: 0104 - Dominant negative is a known mechanism of disease in this gene and is associated with congenital fibrosis of extraocular muscles 3A (MIM#600638) (PMID: 31219644). (I) 0107 - This gene is associated with autosomal dominant disease. (I) 0200 - Variant is predicted to result in a missense amino acid change from arginine to cysteine. (I) 0251 - This variant is heterozygous. (I) 0301 - Variant is absent from gnomAD (both v2 and v3). (SP) 0501 - Missense variant consistently predicted to be damaging by multiple in silico tools or highly conserved with a major amino acid change. (SP) 0603 - Missense variant in a region that is highly intolerant to missense variation (high constraint region in DECIPHER). (SP) 0704 - Another missense variant comparable to the one identified in this case has previous evidence for pathogenicity (ClinVar). (SP) 0801 - This variant has strong previous evidence of pathogenicity in unrelated individuals. This is a recurrent pathogenic variant associated with the milder form of congenital fibrosis of extraocular muscles (ClinVar, PMID: 20074521, 32573066). (SP) 1208 - Inheritance information for this variant is not currently available in this individual. (I) Legend: (SP) - Supporting pathogenic, (I) - Information, (SB) - Supporting benign

Labcorp Genetics (formerly Invitae), Labcorp
Classification: Pathogenic. Last evaluated: 2021-05-03. Review status: criteria provided, single submitter. Criteria: Invitae Variant Classification Sherloc (09022015). Collection method: clinical testing. Allele origin: germline.
Comment: Experimental studies have shown that this variant affects TUBB3 protein function (PMID: 20074521). This variant has been observed in individual(s) with congenital fibrosis of the extraocular muscles type 3 (PMID: 20074521, 29453417). In at least one individual the variant was observed to be de novo. It has also been observed to segregate with disease in related individuals. This variant is also known as p.Arg190Cys. ClinVar contains an entry for this variant (Variation ID: 6963). This variant is not present in population databases (ExAC no frequency). This sequence change replaces arginine with cysteine at codon 262 of the TUBB3 protein (p.Arg262Cys). The arginine residue is highly conserved and there is a large physicochemical difference between arginine and cysteine. For these reasons, this variant has been classified as Pathogenic.

OMIM
Classification: Pathogenic for CONGENITAL FIBROSIS OF EXTRAOCULAR MUSCLES 3A. Last evaluated: 2010-01-08. Review status: no assertion criteria provided. Collection method: literature only. Allele origin: germline. Not counted in ClinVar's aggregate classification.

GeneReviews
No classification provided. Condition: Fibrosis of extraocular muscles, congenital, 3A, with or without extraocular involvement. Review status: no classification provided. Collection method: literature only. Allele origin: germline. Not counted in ClinVar's aggregate classification.

Literature cited by the submitters: PubMed 20074521 (cited by 4 submitters); PubMed 31219644 (cited by Victorian Clinical Genetics Services, Murdoch Childrens Research Institute); PubMed 32573066 (cited by Victorian Clinical Genetics Services, Murdoch Childrens Research Institute); PubMed 29453417 (cited by Labcorp Genetics (formerly Invitae), Labcorp); PubMed 10393037 (cited by OMIM); PubMed 7724178 (cited by OMIM); PubMed 12073023 (cited by OMIM); PubMed 15223798 (cited by OMIM); PubMed 20301522 (cited by GeneReviews).